The following is an entry in ClinVar:

NM_003036.4(SKI):c.1309G>A (p.Ala437Thr)

Gene: SKI (SKI proto-oncogene; plus strand). Cytogenetic location: 1p36.32.
Variant type: single nucleotide variant.
Coding change: c.1309G>A on transcript NM_003036.4 (MANE Select); coding-DNA position 1309, G replaced by A.
Protein change: p.Ala437Thr; replaces alanine 437 with threonine.
Molecular consequence: missense variant.
Genome position (GRCh38, 1-based): chr1:2,303,937, G>A. VCF-style: chr1-2303937-G-A. GRCh37 (hg19) VCF-style: chr1-2235376-G-A.
Other names: short protein forms A437T.
Identifiers: ClinVar variation 263895 (VCV000263895.41), dbSNP rs544709718, ClinGen allele CA536666.

ClinVar aggregate classification (germline): Conflicting classifications of pathogenicity. Review status: criteria provided, conflicting classifications (1 of 4 stars). 6 submissions from 6 submitters: Uncertain significance (1); Benign (1); Likely benign (4). Last evaluated 2026-01-05.

Conditions:
Familial thoracic aortic aneurysm and aortic dissection (TAAD). Also called: Thoracic aortic aneurysms and dissections. Identifiers: Orphanet 91387, MedGen C4707243, MONDO:0019625.
Shprintzen-Goldberg syndrome (SGS). Also called: CRANIOSYNOSTOSIS WITH ARACHNODACTYLY AND ABDOMINAL HERNIAS; Marfanoid disorder with craniosynostosis type 1; Marfanoid craniosynostosis syndrome; Shprintzen-Goldberg marfanoid syndrome; SHPRINTZEN-GOLDBERG CRANIOSYNOSTOSIS SYNDROME. Identifiers: Orphanet 2462, MedGen C1321551, MONDO:0008426, OMIM 182212.

Allele frequency attached by ClinVar (database versions not stated): gnomAD 0.00011; TOPMed 0.00012; gnomAD exomes 0.00016 and 0.00027; ExAC 0.00022.
gnomAD v4.1: 402 of 1,611,524 alleles (0.025%); highest among the groups gnomAD compares: Non-Finnish European, 0.032%; no homozygotes.

Submissions (6):

Labcorp Genetics (formerly Invitae), Labcorp
Classification: Likely benign for Shprintzen-Goldberg syndrome. Last evaluated: 2026-01-05. Review status: criteria provided, single submitter. Criteria: Invitae Variant Classification Sherloc (09022015). Collection method: clinical testing. Allele origin: germline.

Blueprint Genetics
Classification: Likely benign. Last evaluated: 2023-11-28. Review status: criteria provided, single submitter. Criteria: ACMG Guidelines, 2015. Collection method: clinical testing. Allele origin: germline.

CeGaT Center for Human Genetics Tuebingen
Classification: Likely benign. Last evaluated: 2023-04-01. Review status: criteria provided, single submitter. Criteria: CeGaT Center For Human Genetics Tuebingen Variant Classification Criteria Version 2. Collection method: clinical testing. Allele origin: germline. Affected: yes. Observed: 2 variant alleles.
Comment: SKI: BP4

GeneDx
Classification: Likely benign. Last evaluated: 2019-12-11. Review status: criteria provided, single submitter. Criteria: GeneDx Variant Classification Process June 2021. Collection method: clinical testing. Allele origin: germline. Affected: yes.

Ambry Genetics
Classification: Benign for Familial thoracic aortic aneurysm and aortic dissection. Last evaluated: 2019-06-20. Review status: criteria provided, single submitter. Criteria: Ambry Variant Classification Scheme 2023. Collection method: clinical testing. Allele origin: germline.

Fulgent Genetics
Classification: Uncertain significance for Shprintzen-Goldberg syndrome. Last evaluated: 2018-10-31. Review status: criteria provided, single submitter. Criteria: ACMG Guidelines, 2015. Collection method: clinical testing. Allele origin: unknown.